The following is an entry in ClinVar:

ClinVar aggregate classification (germline): Conflicting classifications of pathogenicity. Review status: criteria provided, conflicting classifications (1 of 4 stars). 5 submissions from 5 submitters: Uncertain significance (1); Likely benign (3). 1 of the submissions does not count toward it. Last evaluated 2026-01-19.

Conditions:
SKIC3-related disorder. Also called: SKIC3-related condition.
Inborn genetic diseases. Identifiers: MedGen C0950123, MeSH D030342.

Allele frequency attached by ClinVar (database versions not stated): ESP Exome Variant Server 0.00008; TOPMed 0.00011; gnomAD exomes 0.00028 and 0.00049; ExAC 0.00044; 1000 Genomes Project 30x 0.00047; gnomAD 0.00048 and 0.00049; 1000 Genomes Project 0.00060.
gnomAD v4.1: 478 of 1,613,686 alleles (0.03%); highest among the groups gnomAD compares: East Asian, 0.094%; 2 homozygotes.

Submissions (5):

Labcorp Genetics (formerly Invitae), Labcorp
Classification: Likely benign. Last evaluated: 2026-01-19. Review status: criteria provided, single submitter. Criteria: Invitae Variant Classification Sherloc (09022015). Collection method: clinical testing. Allele origin: germline.

Women's Health and Genetics/Laboratory Corporation of America, LabCorp
Classification: Likely benign. Last evaluated: 2025-03-27. Review status: criteria provided, single submitter. Criteria: LabCorp Variant Classification Summary - May 2015. Collection method: clinical testing. Allele origin: germline.
Comment: Variant summary: SKIC3 c.964C>T (p.Pro322Ser) results in a non-conservative amino acid change in the encoded protein sequence. Four of five in-silico tools predict a benign effect of the variant on protein function. The variant allele was found at a frequency of 0.00028 in 1461484 control chromosomes, predominantly at a frequency of 0.0035 within the Finnish subpopulation in the gnomAD database, including 1 homozygote. The observed variant frequency within Finnish control individuals in the gnomAD database is approximately 3.5 fold of the estimated maximal expected allele frequency for a pathogenic variant in SKIC3 causing Trichohepatoenteric Syndrome phenotype (0.00093). To our knowledge, no occurrence of c.964C>T in individuals affected with Trichohepatoenteric Syndrome and no experimental evidence demonstrating its impact on protein function have been reported. ClinVar contains an entry for this variant (Variation ID: 1153044). Based on the evidence outlined above, the variant was classified as likely benign.

Blueprint Genetics
Classification: Likely benign. Last evaluated: 2024-11-13. Review status: criteria provided, single submitter. Criteria: ACMG Guidelines, 2015. Collection method: clinical testing. Allele origin: germline.

Ambry Genetics
Classification: Uncertain significance for Inborn genetic diseases. Last evaluated: 2023-12-28. Review status: criteria provided, single submitter. Criteria: Ambry Variant Classification Scheme 2023. Collection method: clinical testing. Allele origin: germline.

PreventionGenetics, part of Exact Sciences
Classification: Likely benign for SKIC3-related condition. Last evaluated: 2023-01-10. Review status: no assertion criteria provided. Collection method: clinical testing. Allele origin: germline. Not counted in ClinVar's aggregate classification.
Comment: This variant is classified as likely benign based on ACMG/AMP sequence variant interpretation guidelines (Richards et al. 2015 PMID: 25741868, with internal and published modifications).

NM_014639.4(SKIC3):c.964C>T (p.Pro322Ser)

Gene: SKIC3 (SKI3 subunit of superkiller complex; minus strand). Cytogenetic location: 5q15.
Variant type: single nucleotide variant.
Coding change: c.964C>T on transcript NM_014639.4 (MANE Select); coding-DNA position 964, C replaced by T.
Protein change: p.Pro322Ser; replaces proline 322 with serine.
Molecular consequence: missense variant.
Genome position (GRCh38, 1-based): chr5:95,529,031, G>A on the plus strand (C>T on the coding strand, the complement: SKIC3 is on the minus strand). VCF-style: chr5-95529031-G-A. GRCh37 (hg19) VCF-style: chr5-94864735-G-A.
Other names: c.964C>T (NM_014639.3); short protein forms P322S.
Identifiers: ClinVar variation 1153044 (VCV001153044.15), dbSNP rs189176641, ClinGen allele CA3347472.